The following is an entry in ClinVar:

NM_201384.3(PLEC):c.10498C>T (p.Arg3500Cys)

Gene: PLEC (plectin; minus strand). Cytogenetic location: 8q24.3.
Variant type: single nucleotide variant.
Coding change: c.10498C>T on transcript NM_201384.3 (MANE Select); coding-DNA position 10498, C replaced by T.
Protein change: p.Arg3500Cys; replaces arginine 3500 with cysteine.
Molecular consequence: missense variant.
Genome position (GRCh38, 1-based): chr8:143,919,323, G>A on the plus strand (C>T on the coding strand, the complement: PLEC is on the minus strand). VCF-style: chr8-143919323-G-A. GRCh37 (hg19) VCF-style: chr8-144993491-G-A.
Other names: c.10579C>T, p.Arg3527Cys (NM_000445.5); c.10456C>T, p.Arg3486Cys (NM_201378.4); c.10432C>T, p.Arg3478Cys (NM_201379.3); c.10909C>T, p.Arg3637Cys (NM_201380.4); c.10402C>T, p.Arg3468Cys (NM_201381.3); c.10498C>T, p.Arg3500Cys (NM_201382.4); c.10510C>T, p.Arg3504Cys (NM_201383.3); short protein forms R3468C, R3478C, R3486C, R3500C, R3504C, R3527C, R3637C.
Identifiers: ClinVar variation 196819 (VCV000196819.27), dbSNP rs200541837, ClinGen allele CA244271.

ClinVar aggregate classification (germline): Conflicting classifications of pathogenicity. Review status: criteria provided, conflicting classifications (1 of 4 stars). 7 submissions from 7 submitters: Uncertain significance (1); Likely benign (5). 1 of the submissions does not count toward it. Last evaluated 2026-06-01.

Conditions:
PLEC-related disorder. Also called: PLEC-related disorders; PLEC-related condition.
Epidermolysis bullosa simplex, Ogna type (EBS5A). Also called: Pidermolysis bullosa simplex 5A, Ogna type; EPIDERMOLYSIS BULLOSA SIMPLEX 5A, OGNA TYPE. Identifiers: Orphanet 79401, MedGen C0432317, MONDO:0007555, OMIM 131950.
Epidermolysis bullosa simplex 5C, with pyloric atresia (EBS5C). Also called: PLEC-Related Epidermolysis Bullosa with Pyloric Atresia; Epidermolysis bullosa simplex with pyloric atresia; PLEC1-Related Epidermolysis Bullosa with Pyloric Atresia. Identifiers: Orphanet 158684, MedGen C2677349, MONDO:0012807, OMIM 612138.
Autosomal recessive limb-girdle muscular dystrophy type 2Q (LGMDR17). Also called: MUSCULAR DYSTROPHY, LIMB-GIRDLE, AUTOSOMAL RECESSIVE 17. Identifiers: Orphanet 254361, MedGen C3150989, MONDO:0013390, OMIM 613723.
Epidermolysis bullosa simplex with nail dystrophy (EBS5D). Identifiers: MedGen C4225309, MONDO:0014661, OMIM 616487.
Epidermolysis bullosa simplex 5B, with muscular dystrophy (EBS5B). Also called: EPIDERMOLYSIS BULLOSA SIMPLEX AND LIMB-GIRDLE MUSCULAR DYSTROPHY; Epidermolysis bullosa simplex with muscular dystrophy. Identifiers: Orphanet 257, MedGen C2931072, MONDO:0009181, OMIM 226670.

Allele frequency attached by ClinVar (database versions not stated): 1000 Genomes Project 30x 0.00031; TOPMed 0.00036; 1000 Genomes Project 0.00040; gnomAD 0.00041 and 0.00044; gnomAD exomes 0.00060 and 0.00093; ExAC 0.00071; ESP Exome Variant Server 0.00080.
gnomAD v4.1: 1,405 of 1,613,944 alleles (0.087%); highest among the groups gnomAD compares: South Asian, 0.17%; 5 homozygotes.

Submissions (7):

CeGaT Center for Human Genetics Tuebingen
Classification: Likely benign. Last evaluated: 2026-06-01. Review status: criteria provided, single submitter. Criteria: CeGaT Center For Human Genetics Tuebingen Variant Classification Criteria Version 2. Collection method: clinical testing. Allele origin: germline. Affected: yes. Observed: 2 variant alleles.
Comment: PLEC: BP4

Labcorp Genetics (formerly Invitae), Labcorp
Classification: Likely benign for Autosomal recessive limb-girdle muscular dystrophy type 2Q; Epidermolysis bullosa simplex, Ogna type; Epidermolysis bullosa simplex with nail dystrophy; Epidermolysis bullosa simplex 5C, with pyloric atresia; Epidermolysis bullosa simplex 5B, with muscular dystrophy. Last evaluated: 2026-01-24. Review status: criteria provided, single submitter. Criteria: Invitae Variant Classification Sherloc (09022015). Collection method: clinical testing. Allele origin: germline.

Blueprint Genetics
Classification: Likely benign. Last evaluated: 2024-11-18. Review status: criteria provided, single submitter. Criteria: ACMG Guidelines, 2015. Collection method: clinical testing. Allele origin: germline.

Revvity Omics, Revvity
Classification: Uncertain significance. Last evaluated: 2024-06-13. Review status: criteria provided, single submitter. Criteria: ACMG Guidelines, 2015. Collection method: clinical testing. Allele origin: germline.

GeneDx
Classification: Likely benign. Last evaluated: 2021-06-25. Review status: criteria provided, single submitter. Criteria: GeneDx Variant Classification Process June 2021. Collection method: clinical testing. Allele origin: germline. Affected: yes.
Comment: This variant is associated with the following publications: (PMID: 23774525, 25530118, 29797489)

Eurofins Ntd Llc (ga)
Classification: Likely benign. Last evaluated: 2017-06-15. Review status: criteria provided, single submitter. Criteria: EGL Classification Definitions 2015. Collection method: clinical testing. Allele origin: germline. Observed: 6 variant alleles, 6 heterozygotes.

PreventionGenetics, part of Exact Sciences
Classification: Uncertain significance for PLEC-related condition. Last evaluated: 2024-07-23. Review status: no assertion criteria provided. Collection method: clinical testing. Allele origin: germline. Not counted in ClinVar's aggregate classification.
Comment: The PLEC c.10579C>T variant is predicted to result in the amino acid substitution p.Arg3527Cys. This variant was reported in the heterozygous state in a son and mother with epidermolysis bullosa simplex (Bolling et al 2014. PubMed ID: 23774525). The c.10579C>T variant was also reported in the homozygous state in two siblings with epidermolysis bullosa simplex with muscular dystrophy (Reported as c.10909C>T; p.Arg3637Cys with NM_201380 in Ahmad et al 2018. PubMed ID: 29797489). This variant is reported in 0.18% of alleles in individuals of South Asian descent in gnomAD, including one homozygous individual. Although we suspect that this variant may be benign, at this time, the clinical significance of this variant is uncertain due to the absence of conclusive functional and genetic evidence.

Literature cited by the submitters: PubMed 23774525 (cited by Eurofins Ntd Llc (ga)).